The following is an entry in ClinVar:

NM_019594.4(LRRC8A):c.286G>A (p.Gly96Ser)

Gene: LRRC8A (leucine rich repeat containing 8 VRAC subunit A; plus strand). Cytogenetic location: 9q34.11.
Variant type: single nucleotide variant.
Coding change: c.286G>A on transcript NM_019594.4 (MANE Select); coding-DNA position 286, G replaced by A.
Protein change: p.Gly96Ser; replaces glycine 96 with serine.
Molecular consequence: missense variant.
Genome position (GRCh38, 1-based): chr9:128,907,450, G>A. VCF-style: chr9-128907450-G-A. GRCh37 (hg19) VCF-style: chr9-131669729-G-A.
Other names: c.286G>A, p.Gly96Ser (NM_001127244.2, NM_001127245.2); short protein forms G96S.
Identifiers: ClinVar variation 2783847 (VCV002783847.3), dbSNP rs2491863191, ClinGen allele CA375073295.

ClinVar aggregate classification (germline): Uncertain significance (1 of 4 stars; one submission).

gnomAD v4.1: 1 of 1,613,790 alleles (0.000062%); no homozygotes.

Submission:

Labcorp Genetics (formerly Invitae), Labcorp
Classification: Uncertain significance. Last evaluated: 2023-05-18. Review status: criteria provided, single submitter. Criteria: Invitae Variant Classification Sherloc (09022015). Collection method: clinical testing. Allele origin: germline.
Comment: An algorithm developed to predict the effect of missense changes on protein structure and function (PolyPhen-2) suggests that this variant is likely to be disruptive. This variant has not been reported in the literature in individuals affected with LRRC8A-related conditions. This variant is not present in population databases (gnomAD no frequency). This sequence change replaces glycine, which is neutral and non-polar, with serine, which is neutral and polar, at codon 96 of the LRRC8A protein (p.Gly96Ser). In summary, the available evidence is currently insufficient to determine the role of this variant in disease. Therefore, it has been classified as a Variant of Uncertain Significance.